The following is an entry in ClinVar:

ClinVar aggregate classification (germline): Uncertain significance (1 of 4 stars; one submission).

Allele frequency attached by ClinVar (database versions not stated): gnomAD 0.00001; TOPMed 0.00001; ExAC 0.00002; gnomAD exomes 0.00002.
gnomAD v4.1: 38 of 1,613,976 alleles (0.0024%); highest among the groups gnomAD compares: Non-Finnish European, 0.003%; no homozygotes.

Submission:

Labcorp Genetics (formerly Invitae), Labcorp
Classification: Uncertain significance. Last evaluated: 2024-01-08. Review status: criteria provided, single submitter. Criteria: Invitae Variant Classification Sherloc (09022015). Collection method: clinical testing. Allele origin: germline.
Comment: This sequence change replaces alanine, which is neutral and non-polar, with threonine, which is neutral and polar, at codon 951 of the TTLL5 protein (p.Ala951Thr). This variant is present in population databases (rs769458841, gnomAD 0.007%). This variant has not been reported in the literature in individuals affected with TTLL5-related conditions. ClinVar contains an entry for this variant (Variation ID: 1355429). Advanced modeling of protein sequence and biophysical properties (such as structural, functional, and spatial information, amino acid conservation, physicochemical variation, residue mobility, and thermodynamic stability) performed at Invitae indicates that this missense variant is not expected to disrupt TTLL5 protein function with a negative predictive value of 80%. In summary, the available evidence is currently insufficient to determine the role of this variant in disease. Therefore, it has been classified as a Variant of Uncertain Significance.

NM_015072.5(TTLL5):c.2851G>A (p.Ala951Thr)

Gene: TTLL5 (tubulin tyrosine ligase like 5; plus strand). Cytogenetic location: 14q24.3.
Variant type: single nucleotide variant.
Coding change: c.2851G>A on transcript NM_015072.5 (MANE Select); coding-DNA position 2851, G replaced by A.
Protein change: p.Ala951Thr; replaces alanine 951 with threonine.
Molecular consequence: missense variant.
Genome position (GRCh38, 1-based): chr14:75,783,395, G>A. VCF-style: chr14-75783395-G-A. GRCh37 (hg19) VCF-style: chr14-76249738-G-A.
Other names: short protein forms A951T.
Identifiers: ClinVar variation 1355429 (VCV001355429.8), dbSNP rs769458841, ClinGen allele CA7279824.